The following is an entry in ClinVar:

ClinVar aggregate classification (germline): Conflicting classifications of pathogenicity. Review status: criteria provided, conflicting classifications (1 of 4 stars). 3 submissions from 3 submitters: Pathogenic (1); Likely pathogenic (1); Uncertain significance (1). Last evaluated 2024-11-07.

Conditions:
EP300-related disorder. Also called: EP300-related disorders; EP300-related condition.
Rubinstein-Taybi syndrome due to EP300 haploinsufficiency. Also called: EP300-Related Rubinstein-Taybi Syndrome; RUBINSTEIN-TAYBI SYNDROME 2. Identifiers: Orphanet 353284, Orphanet 783, MedGen C3150941, MONDO:0013364, OMIM 613684.

Allele frequency attached by ClinVar (database versions not stated): TOPMed 0.00001.
gnomAD v4.1: 3 of 1,614,082 alleles (0.00019%); highest among the groups gnomAD compares: African/African-American, 0.0013%; no homozygotes.

Submissions (3):

PreventionGenetics, part of Exact Sciences
Classification: Uncertain significance for EP300-related condition. Last evaluated: 2024-11-07. Review status: criteria provided, single submitter. Criteria: ACMG Guidelines, 2015. Collection method: clinical testing. Allele origin: germline.
Comment: The EP300 c.6787C>T variant is predicted to result in premature protein termination (p.Arg2263*). This variant is present in the final exon (31) of the gene and is not predicted to result in nonsense mediated decay; however, it does truncate ~150 amino acids. This variant has been reported in an individual with congenital heart disease (Morton et al. 2021. PubMed ID: 33084842). This variant has not been reported in a large population database (gnomAD), indicating this variant is rare. While truncating variants upstream of this variant have been reported as pathogenic, relatively few have been reported downstream. Although we suspect that this variant may be pathogenic, at this time, the clinical significance of this variant is uncertain due to the absence of conclusive functional and genetic evidence.

GeneDx
Classification: Likely pathogenic. Last evaluated: 2023-07-20. Review status: criteria provided, single submitter. Criteria: GeneDx Variant Classification Process June 2021. Collection method: clinical testing. Allele origin: germline. Affected: yes.
Comment: Identified in an individual with congenital heart disease; detailed clinical and segregation information was nor reported (Morton SU et al., 2021); Not observed at significant frequency in large population cohorts (gnomAD); Nonsense variant predicted to result in protein truncation, as the last 152 amino acids are lost, and other loss-of-function variants have been reported downstream in HGMD; This variant is associated with the following publications: (PMID: 33084842)

Labcorp Genetics (formerly Invitae), Labcorp
Classification: Pathogenic for Rubinstein-Taybi syndrome due to EP300 haploinsufficiency. Last evaluated: 2023-01-28. Review status: criteria provided, single submitter. Criteria: Invitae Variant Classification Sherloc (09022015). Collection method: clinical testing. Allele origin: germline.
Comment: This sequence change creates a premature translational stop signal (p.Arg2263*) in the EP300 gene. While this is not anticipated to result in nonsense mediated decay, it is expected to disrupt the last 152 amino acid(s) of the EP300 protein. For these reasons, this variant has been classified as Pathogenic. This variant disrupts a region of the EP300 protein in which other variant(s) (p.Pro2367Argfs*36) have been determined to be pathogenic (PMID: 17299436). This suggests that this is a clinically significant region of the protein, and that variants that disrupt it are likely to be disease-causing. This premature translational stop signal has been observed in individual(s) with congenital heart disease (PMID: 33084842). This variant is not present in population databases (gnomAD no frequency).

Literature cited by the submitters: PubMed 17299436 (cited by Labcorp Genetics (formerly Invitae), Labcorp); PubMed 33084842 (cited by Labcorp Genetics (formerly Invitae), Labcorp).

NM_001429.4(EP300):c.6787C>T (p.Arg2263Ter)

Gene: EP300 (EP300 lysine acetyltransferase; plus strand). Cytogenetic location: 22q13.2.
Variant type: single nucleotide variant.
Coding change: c.6787C>T on transcript NM_001429.4 (MANE Select); coding-DNA position 6787, C replaced by T.
Protein change: p.Arg2263Ter; replaces arginine 2263 with a stop codon.
Molecular consequence: nonsense.
Genome position (GRCh38, 1-based): chr22:41,178,498, C>T. VCF-style: chr22-41178498-C-T. GRCh37 (hg19) VCF-style: chr22-41574502-C-T.
Other names: c.6709C>T, p.Arg2237Ter (NM_001362843.2); c.6787C>T (NM_001429.3); short protein forms R2263*, R2237*.
Identifiers: ClinVar variation 2978296 (VCV002978296.5), dbSNP rs1354580969, ClinGen allele CA411682741.